The following is an entry in ClinVar:

NM_002693.3(POLG):c.3198G>A (p.Thr1066=)

Gene: POLG (DNA polymerase gamma, catalytic subunit; minus strand). Cytogenetic location: 15q26.1.
Variant type: single nucleotide variant.
Coding change: c.3198G>A on transcript NM_002693.3 (MANE Select); coding-DNA position 3198, G replaced by A.
Protein change: p.Thr1066=; no amino-acid change (threonine 1066 retained).
Molecular consequence: synonymous variant.
Genome position (GRCh38, 1-based): chr15:89,319,006, C>T on the plus strand (G>A on the coding strand, the complement: POLG is on the minus strand). VCF-style: chr15-89319006-C-T. GRCh37 (hg19) VCF-style: chr15-89862237-C-T.
Other names: p.T1066T:ACG>ACA; c.3198G>A, p.Thr1066= (NM_001126131.2).
Identifiers: ClinVar variation 138756 (VCV000138756.68), dbSNP rs61752780, ClinGen allele CA292840.

ClinVar aggregate classification (germline): Benign/Likely benign. Review status: criteria provided, multiple submitters, no conflicts (2 of 4 stars). 14 submissions from 14 submitters: Benign (8); Likely benign (3). 3 of the submissions do not count toward it. Last evaluated 2026-09-01.

Conditions:
Inborn genetic diseases. Identifiers: MedGen C0950123, MeSH D030342.
Hereditary spastic paraplegia. Also called: Familial spastic paraparesis. Identifiers: Orphanet 685, MedGen C0037773, MONDO:0019064. Disease mechanism: loss of function.
Progressive sclerosing poliodystrophy (MTDPS4A). Also called: Alpers-Huttenlocher Syndrome (AHS); NEURONAL DEGENERATION OF CHILDHOOD WITH LIVER DISEASE, PROGRESSIVE; ALPERS PROGRESSIVE INFANTILE POLIODYSTROPHY; Alpers Syndrome; Alpers-Huttenlocher Syndrome; ALPERS DIFFUSE DEGENERATION OF CEREBRAL GRAY MATTER WITH HEPATIC CIRRHOSIS. Identifiers: Orphanet 726, MedGen C0205710, MONDO:0008758, OMIM 203700.

Allele frequency attached by ClinVar (database versions not stated): gnomAD 0.00460 and 0.00491; TOPMed 0.00487; 1000 Genomes Project 30x 0.00562; 1000 Genomes Project 0.00579; gnomAD exomes 0.00602 and 0.00742; ESP Exome Variant Server 0.00615; ExAC 0.00631.
gnomAD v4.1: 11,586 of 1,614,144 alleles (0.72%); highest among the groups gnomAD compares: South Asian, 1.3%; 62 homozygotes.

Submissions (14):

CeGaT Center for Human Genetics Tuebingen
Classification: Benign. Last evaluated: 2026-09-01. Review status: criteria provided, single submitter. Criteria: CeGaT Center For Human Genetics Tuebingen Variant Classification Criteria Version 2. Collection method: clinical testing. Allele origin: germline. Affected: yes. Observed: 98 variant alleles.
Comment: POLG: BP4, BP7, BS1, BS2

Labcorp Genetics (formerly Invitae), Labcorp
Classification: Benign for Progressive sclerosing poliodystrophy. Last evaluated: 2026-02-03. Review status: criteria provided, single submitter. Criteria: Invitae Variant Classification Sherloc (09022015). Collection method: clinical testing. Allele origin: germline.

Athena Diagnostics
Classification: Benign. Last evaluated: 2025-09-26. Review status: criteria provided, single submitter. Criteria: Athena Diagnostics Criteria. Collection method: clinical testing. Allele origin: unknown.
Comment: The frequency of this variant in the general population is higher than would generally be expected for pathogenic variants in this gene. Computational tools yielded predictions that this variant is unlikely to have an effect on normal RNA splicing. This nucleotide position exhibits low evolutionary conservation.

Blueprint Genetics
Classification: Likely benign. Last evaluated: 2024-11-20. Review status: criteria provided, single submitter. Criteria: ACMG Guidelines, 2015. Collection method: clinical testing. Allele origin: germline.

Genome Diagnostics Laboratory, The Hospital for Sick Children
Classification: Benign for Hereditary spastic paraplegia. Last evaluated: 2021-10-08. Review status: criteria provided, single submitter. Criteria: ACMG Guidelines, 2015. Collection method: clinical testing. Allele origin: germline. Affected: yes.

Wong Mito Lab, Molecular and Human Genetics, Baylor College of Medicine
Classification: Benign for Progressive sclerosing poliodystrophy. Last evaluated: 2018-10-01. Review status: criteria provided, single submitter. Criteria: ACMG Guidelines, 2015. Collection method: clinical testing. Allele origin: germline.
Comment: The NM_002693.2:c.3198G>A (NP_002684.1:p.Thr1066=) [GRCH38: NC_000015.10:g.89319006C>T] variant in POLG gene is interpretated to be a Benign based on ACMG guidelines (PMID: 25741868). This variant meets the following evidence codes reported in the ACMG-guideline. BS1:The minor allele frequency of this allele is high for Mitochondrial DNA depletion syndrome 4A (Alpers type). BS2:Observation of the variant in controls is inconsistent with penetrance of Mitochondrial DNA depletion syndrome 4A (Alpers type). BP4:Computational evidence/predictors indicate no impact on the POLG structure, function, or protein-protein interaction. Based on the evidence criteria codes applied, the variant is suggested to be Benign.

Ambry Genetics
Classification: Likely benign for Inborn genetic diseases. Last evaluated: 2016-04-27. Review status: criteria provided, single submitter. Criteria: Ambry Variant Classification Scheme 2023. Collection method: clinical testing. Allele origin: germline.

Genetic Services Laboratory, University of Chicago
Classification: Likely benign. Last evaluated: 2015-10-16. Review status: criteria provided, single submitter. Criteria: ACMG Guidelines, 2015. Collection method: clinical testing. Allele origin: germline. Affected: no.

Eurofins Ntd Llc (ga)
Classification: Benign. Last evaluated: 2015-08-06. Review status: criteria provided, single submitter. Criteria: EGL Classification Definitions 2015. Collection method: clinical testing. Allele origin: germline. Observed: 1 variant allele, 1 heterozygote.

GeneDx
Classification: Benign. Last evaluated: 2012-05-08. Review status: criteria provided, single submitter. Criteria: GeneDx Variant Classification (06012015). Collection method: clinical testing. Allele origin: germline. Affected: yes.
Comment: This variant is considered likely benign or benign based on one or more of the following criteria: it is a conservative change, it occurs at a poorly conserved position in the protein, it is predicted to be benign by multiple in silico algorithms, and/or has population frequency not consistent with disease.

PreventionGenetics, part of Exact Sciences
Classification: Benign. Review status: criteria provided, single submitter. Criteria: ACMG Guidelines, 2015. Collection method: clinical testing. Allele origin: germline.

Mayo Clinic Laboratories, Mayo Clinic
Classification: Benign. Last evaluated: 2016-02-26. Review status: no assertion criteria provided. Collection method: clinical testing. Allele origin: unknown. Not counted in ClinVar's aggregate classification.

Clinical Genetics DNA and cytogenetics Diagnostics Lab, Erasmus MC, Erasmus Medical Center
Classification: Benign. Review status: no assertion criteria provided. Collection method: clinical testing. Allele origin: germline. Affected: yes. Study: VKGL Data-share Consensus. Not counted in ClinVar's aggregate classification.

Diagnostic Laboratory, Department of Genetics, University Medical Center Groningen
Classification: Likely benign. Review status: no assertion criteria provided. Collection method: clinical testing. Allele origin: germline. Affected: yes. Study: VKGL Data-share Consensus. Not counted in ClinVar's aggregate classification.